The following is an entry in ClinVar:

NM_025114.4(CEP290):c.2547T>C (p.Asp849=)

Gene: CEP290 (centrosomal protein 290; minus strand). Cytogenetic location: 12q21.32.
Variant type: single nucleotide variant.
Coding change: c.2547T>C on transcript NM_025114.4 (MANE Select); coding-DNA position 2547, T replaced by C.
Protein change: p.Asp849=; no amino-acid change (aspartic acid 849 retained).
Molecular consequence: synonymous variant.
Genome position (GRCh38, 1-based): chr12:88,107,035, A>G on the plus strand (T>C on the coding strand, the complement: CEP290 is on the minus strand). VCF-style: chr12-88107035-A-G. GRCh37 (hg19) VCF-style: chr12-88500812-A-G.
Other names: c.2547T>C (NM_025114.3).
Identifiers: ClinVar variation 1621286 (VCV001621286.9), dbSNP rs1417219342, ClinGen allele CA481304150.
Genomic context (GRCh38, chr12:88,107,035, plus strand): 5'-TGTTAAAAATGTTTTACTTACATTATATTCTTTTACTTTTATAGCATCTTGTTGGACTTG[A>G]TCCTCAAGTTTTCTCTTTTCCTCTTTTATTGTTTTAGATTCTGTTTTCCAGGTCTCCTTT-3'
Protein context (NP_079390.3, residues 839-859): TIKEEKRKLE[Asp849=]QVQQDAIKVK

ClinVar aggregate classification (germline): Likely benign. Review status: criteria provided, multiple submitters, no conflicts (2 of 4 stars). 2 submissions from 2 submitters: Likely benign (2). Last evaluated 2026-07-02.

Conditions:
Joubert syndrome. Also called: JOUBERT-BOLTSHAUSER SYNDROME; Familial aplasia of the vermis. Identifiers: Orphanet 475, MedGen C5979921, MONDO:0018772.
Nephronophthisis. Also called: Juvenile Nephronophthisis. Identifiers: Orphanet 655, MedGen C0687120, MONDO:0019005, HP:0000090.
Meckel-Gruber syndrome. Also called: GRUBER SYNDROME; DYSENCEPHALIA SPLANCHNOCYSTICA; Dysencephalia splachnocystica. Identifiers: Orphanet 564, MedGen C0265215, MONDO:0018921.
CEP290-related disorder. Also called: CEP290-related condition; CEP290-related disorders. Identifiers: MedGen CN239314.

Allele frequency attached by ClinVar (database versions not stated): gnomAD exomes 0.00001.
gnomAD v4.1: 11 of 1,554,648 alleles (0.00071%); highest among the groups gnomAD compares: Middle Eastern, 0.017%; no homozygotes.

Submissions (2):

PreventionGenetics, part of Exact Sciences
Classification: Likely benign for CEP290-related condition. Last evaluated: 2026-07-02. Review status: criteria provided, single submitter. Criteria: ACMG Guidelines, 2015. Collection method: clinical testing. Allele origin: germline.
Comment: This variant is classified as likely benign based on ACMG/AMP sequence variant interpretation guidelines (Richards et al. 2015 PMID: 25741868, with internal and published modifications).

Labcorp Genetics (formerly Invitae), Labcorp
Classification: Likely benign for Joubert syndrome; Meckel-Gruber syndrome; Nephronophthisis. Last evaluated: 2024-03-13. Review status: criteria provided, single submitter. Criteria: Invitae Variant Classification Sherloc (09022015). Collection method: clinical testing. Allele origin: germline.